The following is an entry in ClinVar:

NM_000526.5(KRT14):c.1162C>T (p.Arg388Cys)

Gene: KRT14 (keratin 14; minus strand). Cytogenetic location: 17q21.2.
Variant type: single nucleotide variant.
Coding change: c.1162C>T on transcript NM_000526.5 (MANE Select); coding-DNA position 1162, C replaced by T.
Protein change: p.Arg388Cys; replaces arginine 388 with cysteine.
Molecular consequence: missense variant.
Genome position (GRCh38, 1-based): chr17:41,583,347, G>A on the plus strand (C>T on the coding strand, the complement: KRT14 is on the minus strand). VCF-style: chr17-41583347-G-A. GRCh37 (hg19) VCF-style: chr17-39739599-G-A.
Other names: short protein forms R388C.
Identifiers: ClinVar variation 66306 (VCV000066306.18), dbSNP rs59966597, ClinGen allele CA216831.

ClinVar aggregate classification (germline): Pathogenic/Likely pathogenic. Review status: criteria provided, multiple submitters, no conflicts (2 of 4 stars). 8 submissions from 8 submitters: Pathogenic (5); Likely pathogenic (2). 1 of the submissions does not count toward it. Last evaluated 2025-11-11.

Conditions:
KRT14-related disorder. Also called: KRT14-related condition.
Epidermolysis bullosa simplex 1C, localized. Also called: Epidermolysis Bullosa Simplex, Weber-Cockayne Type; Weber-Cockayne Syndrome; EBS, ACRAL FORM; EPIDERMOLYSIS BULLOSA OF HANDS AND FEET; Localized epidermolysis bullosa simplex. Identifiers: Orphanet 79400, MedGen C0080333, MONDO:0007551, OMIM 131800.
Palmoplantar blistering. Identifiers: MedGen C4024876, HP:0007446.
Skin fragility with non-scarring blistering. Identifiers: MedGen C1851562, HP:0007585.

Allele frequency attached by ClinVar (database versions not stated): gnomAD exomes below 0.00001 and 0.00001; ExAC 0.00001.

Submissions (8):

PreventionGenetics, part of Exact Sciences
Classification: Pathogenic for KRT14-related condition. Last evaluated: 2025-11-11. Review status: criteria provided, single submitter. Criteria: ACMG Guidelines, 2015. Collection method: clinical testing. Allele origin: germline.
Comment: The KRT14 c.1162C>T variant is predicted to result in the amino acid substitution p.Arg388Cys. This variant, also referred to as p.R388C in the literature, has been reported in several individuals with localized epidermolysis bullosa (EBS) (see for example, Chen et al. 1995. PubMed ID: 7561171; Kang et al. 2010. PubMed ID: 20060687; Rugg et al. 2006. PubMed ID: 17039244; Wertheim-Tysarowska et al. 2016. PubMed ID: 26432462) and it was shown to segregate with disease in a family with EBS (Chen et al. 1995. PubMed ID: 7561171). Alternate nucleotide changes affecting the same amino acid (p.R388H, p.R388P, and p.R388G) have also been reported in individuals with EBS (Ciubotaru et al. 2003. PubMed ID: 12707098; Arin et al. 2010. PubMed ID: 20199538). In one study, the alternate missense variant p.R388H was found along with a nonsense KRT14 variant in an individual with EBS, Weber-Cockayne subtype (Ciubotaru et al. 2003. PubMed ID: 12707098). The c.1162C>T (p.Arg388Cys) variant is reported in 0.00088% of alleles in individuals of European (non-Finnish) descent in gnomAD. In summary, this variant is interpreted as pathogenic.

GeneDx
Classification: Pathogenic. Last evaluated: 2025-10-18. Review status: criteria provided, single submitter. Criteria: GeneDx Variant Classification Process June 2021. Collection method: clinical testing. Allele origin: germline. Affected: yes.
Comment: Not observed at significant frequency in large population cohorts (gnomAD); In silico analysis supports that this missense variant has a deleterious effect on protein structure/function; This variant is associated with the following publications: (PMID: 17039244, 26707537, 26432462, 21375516, 25017986, 18704110, 20060687, 7561171, 29784039, 40542406)

Labcorp Genetics (formerly Invitae), Labcorp
Classification: Pathogenic. Last evaluated: 2025-07-03. Review status: criteria provided, single submitter. Criteria: Invitae Variant Classification Sherloc (09022015). Collection method: clinical testing. Allele origin: germline.
Comment: This sequence change replaces arginine, which is basic and polar, with cysteine, which is neutral and slightly polar, at codon 388 of the KRT14 protein (p.Arg388Cys). This variant is present in population databases (rs59966597, gnomAD 0.0009%). This missense change has been observed in individual(s) with autosomal dominant epidermolysis bullosa (PMID: 7561171, 17039244, 20060687, 26707537). ClinVar contains an entry for this variant (Variation ID: 66306). Invitae Evidence Modeling of protein sequence and biophysical properties (such as structural, functional, and spatial information, amino acid conservation, physicochemical variation, residue mobility, and thermodynamic stability) indicates that this missense variant is expected to disrupt KRT14 protein function with a positive predictive value of 80%. This variant disrupts the p.Arg388 amino acid residue in KRT14. Other variant(s) that disrupt this residue have been determined to be pathogenic (PMID: 12707098, 22832485). This suggests that this residue is clinically significant, and that variants that disrupt this residue are likely to be disease-causing. For these reasons, this variant has been classified as Pathogenic.

Clinical Genetics Laboratory, Skane University Hospital Lund
Classification: Pathogenic. Last evaluated: 2023-10-03. Review status: criteria provided, single submitter. Criteria: ACMG Guidelines, 2015. Collection method: clinical testing. Allele origin: germline. Affected: yes.

Blueprint Genetics
Classification: Likely pathogenic for KRT14-related disorders. Last evaluated: 2023-01-04. Review status: criteria provided, single submitter. Criteria: ACMG Guidelines, 2015. Collection method: clinical testing. Allele origin: germline. Affected: yes. Observed: 1 variant allele.

Centre for Mendelian Genomics, University Medical Centre Ljubljana
Classification: Pathogenic for Palmoplantar blistering; Skin fragility with non-scarring blistering. Last evaluated: 2017-01-01. Review status: criteria provided, single submitter. Criteria: ACMG Guidelines, 2015. Collection method: clinical testing. Allele origin: unknown. Affected: yes.

Juno Genomics, Hangzhou Juno Genomics, Inc
Classification: Likely pathogenic for Epidermolysis bullosa simplex 1C, localized. Review status: criteria provided, single submitter. Criteria: ACMG Guidelines, 2015. Collection method: clinical testing. Allele origin: germline.
Comment: Absent from controls (or at extremely low frequency if recessive) in Genome Aggregation Database.;Multiple lines of computational evidence support a deleterious effect on the gene or gene product.;The prevalence of the variant in affected individuals is significantly increased compared to the prevalence in controls.;Patient's phenotype or family history is highly specific for a disease with a single genetic etiology.;Novel missense change at an amino acid residue where a different missense change determined to be pathogenic has been seen before.

Epithelial Biology;  Institute of Medical Biology, Singapore
No classification provided. Review status: no classification provided. Collection method: not provided. Allele origin: not provided. Not counted in ClinVar's aggregate classification.

Literature cited by the submitters: PubMed 7561171 (cited by Labcorp Genetics (formerly Invitae), Labcorp); PubMed 17039244 (cited by Labcorp Genetics (formerly Invitae), Labcorp); PubMed 20060687 (cited by Labcorp Genetics (formerly Invitae), Labcorp); PubMed 26707537 (cited by Labcorp Genetics (formerly Invitae), Labcorp); PubMed 12707098 (cited by Labcorp Genetics (formerly Invitae), Labcorp); PubMed 22832485 (cited by Labcorp Genetics (formerly Invitae), Labcorp).